The following is an entry in ClinVar:

ClinVar aggregate classification (germline): Uncertain significance. Review status: criteria provided, multiple submitters, no conflicts (2 of 4 stars). 3 submissions from 3 submitters: Uncertain significance (2). 1 of the submissions does not count toward it. Last evaluated 2025-10-02.

Conditions:
SMARCA4-related disorder. Also called: SMARCA4-related condition.
Hereditary cancer-predisposing syndrome. Also called: Neoplastic Syndromes, Hereditary; Tumor predisposition; Hereditary Cancer Syndrome; Hereditary neoplastic syndrome. Identifiers: Orphanet 140162, MedGen C0027672, MeSH D009386, MONDO:0015356.
Rhabdoid tumor predisposition syndrome 2 (RTPS2). Identifiers: Orphanet 231108, Orphanet 69077, MedGen C2750074, MONDO:0013224, OMIM 613325.

Submissions (3):

Ambry Genetics
Classification: Uncertain significance for Hereditary cancer-predisposing syndrome. Last evaluated: 2025-10-02. Review status: criteria provided, single submitter. Criteria: Ambry Variant Classification Scheme 2023. Collection method: clinical testing. Allele origin: germline.
Comment: The c.699_722del24 variant (also known as p.G237_P244del) is located in coding exon 3 of the SMARCA4 gene. This variant results from an in-frame 24 nucleotide deletion at nucleotide positions 699 to 722. This results in the in-frame deletion of 8 amino acids at positions 237 to 244. This variant has been detected in multiple individuals with no reported features of Coffin-Siris syndrome (Ambry internal data). The amino acid region is well conserved in available vertebrate species. This in-frame variant is in a repetitive region of the gene and has no known function or association with disease (Ambry internal data). In addition, the in silico prediction for this alteration is inconclusive (Choi Y et al. PLoS ONE. 2012; 7(10):e46688). Based on the supporting evidence, the association of this alteration with rhabdoid tumor predisposition syndrome is unknown; however, the association of this alteration with Coffin-Siris syndrome is unlikely.

Labcorp Genetics (formerly Invitae), Labcorp
Classification: Uncertain significance for Rhabdoid tumor predisposition syndrome 2. Last evaluated: 2024-03-05. Review status: criteria provided, single submitter. Criteria: Invitae Variant Classification Sherloc (09022015). Collection method: clinical testing. Allele origin: germline.
Comment: This variant, c.699_722del, results in the deletion of 8 amino acid(s) of the SMARCA4 protein (p.Gly237_Pro244del), but otherwise preserves the integrity of the reading frame. This variant is not present in population databases (gnomAD no frequency). This variant has not been reported in the literature in individuals affected with SMARCA4-related conditions. ClinVar contains an entry for this variant (Variation ID: 640504). In summary, the available evidence is currently insufficient to determine the role of this variant in disease. Therefore, it has been classified as a Variant of Uncertain Significance.

PreventionGenetics, part of Exact Sciences
Classification: Likely benign for SMARCA4-related condition. Last evaluated: 2024-07-12. Review status: no assertion criteria provided. Collection method: clinical testing. Allele origin: germline. Not counted in ClinVar's aggregate classification.
Comment: This variant is classified as likely benign based on ACMG/AMP sequence variant interpretation guidelines (Richards et al. 2015 PMID: 25741868, with internal and published modifications).

NM_003072.5(SMARCA4):c.699_722del (p.229GP[4])

Gene: SMARCA4 (SWI/SNF related BAF chromatin remodeling complex subunit ATPase 4; plus strand). Cytogenetic location: 19p13.2.
Variant type: Deletion.
Coding change: c.699_722del on transcript NM_003072.5 (MANE Select); coding-DNA positions 699 to 722, 24 bases deleted (CCCTGGCCCTGGCCCCGGCCCGGG).
Protein change: p.229GP[4].
Molecular consequence: inframe deletion. On other transcripts: non-coding transcript variant (1).
Genome position (GRCh38, 1-based): chr19:10,986,532-10,986,555, CCCTGGCCCTGGCCCCGGCCCGGG deleted; deleting any 24 consecutive bases within chr19:10,986,530-10,986,555 gives the same sequence; the c. name uses the placement nearest the transcript's 3' end. VCF-style (leftmost placement, unchanged base first): chr19-10986529-TGGCCCTGGCCCTGGCCCCGGCCCG-T. GRCh37 (hg19) VCF-style: chr19-11097205-TGGCCCTGGCCCTGGCCCCGGCCCG-T.
Other names: c.699_722del24 (NM_001128849.1); c.699_722del, p.229GP[4] (NM_001128844.3, NM_001128845.2, NM_001128846.2 and 5 more transcripts).
Identifiers: ClinVar variation 640504 (VCV000640504.16), dbSNP rs1599952661, ClinGen allele CA915952564.
Genomic context (GRCh38, chr19:10,986,529, plus strand): 5'-GATGCAGCAGCAGATGCCAACGCTACCTCCACCCTCGGTGTCCGCAACAGGACCCGGCCC[TGGCCCTGGCCCTGGCCCCGGCCCG>T]GGTCCCGGCCCGGCACCTCCAAATTACAGCAGGCCTCATGGTAAGACTGGCTGCCCTGGC-3'